The following is an entry in ClinVar:

NM_006516.4(SLC2A1):c.111G>T (p.Gln37His)

Gene: SLC2A1 (solute carrier family 2 member 1; minus strand). Cytogenetic location: 1p34.2.
Variant type: single nucleotide variant.
Coding change: c.111G>T on transcript NM_006516.4 (MANE Select); coding-DNA position 111, G replaced by T.
Protein change: p.Gln37His; replaces glutamine 37 with histidine.
Molecular consequence: missense variant.
Genome position (GRCh38, 1-based): chr1:42,943,229, C>A on the plus strand (G>T on the coding strand, the complement: SLC2A1 is on the minus strand). VCF-style: chr1-42943229-C-A. GRCh37 (hg19) VCF-style: chr1-43408900-C-A.
Other names: short protein forms Q37H.
Identifiers: ClinVar variation 2501413 (VCV002501413.1), dbSNP rs2525034775, ClinGen allele CA339964733.

ClinVar aggregate classification (germline): Uncertain significance (1 of 4 stars; one submission).

Submission:

GeneDx
Classification: Uncertain significance. Last evaluated: 2022-11-07. Review status: criteria provided, single submitter. Criteria: GeneDx Variant Classification Process June 2021. Collection method: clinical testing. Allele origin: germline. Affected: yes.
Comment: Not observed at significant frequency in large population cohorts (gnomAD); In silico analysis supports that this missense variant has a deleterious effect on protein structure/function; Has not been previously published as pathogenic or benign to our knowledge